The following is an entry in ClinVar:

NM_000051.4(ATM):c.8180T>C (p.Val2727Ala)

Genes: ATM (ATM serine/threonine kinase; plus strand), C11orf65 (chromosome 11 open reading frame 65; minus strand). Cytogenetic location: 11q22.3.
Variant type: single nucleotide variant.
Coding change: c.8180T>C on transcript NM_000051.4 (MANE Select); coding-DNA position 8180, T replaced by C.
Protein change: p.Val2727Ala; replaces valine 2727 with alanine.
Molecular consequence: missense variant. On other transcripts: intron variant (2).
Genome position (GRCh38, 1-based): chr11:108,335,873, T>C. VCF-style: chr11-108335873-T-C. GRCh37 (hg19) VCF-style: chr11-108206600-T-C.
Other names: c.8180T>C, p.Val2727Ala (NM_001351834.2); c.641-26802A>G (NM_001330368.2); c.695-581A>G (NM_001351110.2); short protein forms V2727A.
Identifiers: ClinVar variation 560761 (VCV000560761.13), dbSNP rs1565543359, ClinGen allele CA382562515.

ClinVar aggregate classification (germline): Uncertain significance. Review status: criteria provided, multiple submitters, no conflicts (2 of 4 stars). 3 submissions from 3 submitters: Uncertain significance (3). Last evaluated 2023-11-09.

Conditions:
Hereditary cancer-predisposing syndrome. Also called: Hereditary Cancer Syndrome; Neoplastic Syndromes, Hereditary; Tumor predisposition; Hereditary neoplastic syndrome. Identifiers: Orphanet 140162, MedGen C0027672, MeSH D009386, MONDO:0015356.
Ataxia-telangiectasia syndrome (AT). Also called: Cerebello-oculocutaneous telangiectasia; Immunodeficiency with ataxia telangiectasia; Ataxia-telangiectasia, complementation group E; Ataxia-telangiectasia, complementation group D; AT, COMPLEMENTATION GROUP C; ATAXIA-TELANGIECTASIA, COMPLEMENTATION GROUP A. Identifiers: Orphanet 100, MedGen C0004135, MONDO:0008840, OMIM 208900.

Submissions (3):

Ambry Genetics
Classification: Uncertain significance for Hereditary cancer-predisposing syndrome. Last evaluated: 2023-11-09. Review status: criteria provided, single submitter. Criteria: Ambry Variant Classification Scheme 2023. Collection method: clinical testing. Allele origin: germline.
Comment: The p.V2727A variant (also known as c.8180T>C), located in coding exon 55 of the ATM gene, results from a T to C substitution at nucleotide position 8180. The valine at codon 2727 is replaced by alanine, an amino acid with similar properties. This amino acid position is highly conserved in available vertebrate species. In addition, this alteration is predicted to be deleterious by in silico analysis. Since supporting evidence is limited at this time, the clinical significance of this alteration remains unclear.

Labcorp Genetics (formerly Invitae), Labcorp
Classification: Uncertain significance for Ataxia-telangiectasia syndrome. Last evaluated: 2020-06-17. Review status: criteria provided, single submitter. Criteria: Invitae Variant Classification Sherloc (09022015). Collection method: clinical testing. Allele origin: germline.
Comment: This variant is not present in population databases (ExAC no frequency). This sequence change replaces valine with alanine at codon 2727 of the ATM protein (p.Val2727Ala). The valine residue is highly conserved and there is a small physicochemical difference between valine and alanine. Algorithms developed to predict the effect of missense changes on protein structure and function (SIFT, PolyPhen-2, Align-GVGD) all suggest that this variant is likely to be disruptive, but these predictions have not been confirmed by published functional studies and their clinical significance is uncertain. This variant has not been reported in the literature in individuals with ATM-related conditions. ClinVar contains an entry for this variant (Variation ID: 560761). In summary, the available evidence is currently insufficient to determine the role of this variant in disease. Therefore, it has been classified as a Variant of Uncertain Significance.

PreventionGenetics, part of Exact Sciences
Classification: Uncertain significance. Last evaluated: 2017-10-18. Review status: criteria provided, single submitter. Criteria: ACMG Guidelines, 2015. Collection method: clinical testing. Allele origin: germline.